The following is an entry in ClinVar:

NC_000001.10:g.(?_43392712)_(43675755_?)dup

Genes: CFAP144 (cilia and flagella associated protein 144; plus strand), CFAP57 (cilia and flagella associated protein 57; plus strand), EBNA1BP2 (EBNA1 binding protein 2; minus strand), SLC2A1 (solute carrier family 2 member 1; minus strand). Cytogenetic location: 1p34.2.
Variant type: Duplication.
Identifiers: ClinVar variation 2425602 (VCV002425602.3).

ClinVar aggregate classification (germline): Uncertain significance (1 of 4 stars; one submission).

Conditions:
GLUT1 deficiency syndrome 1, autosomal recessive. Identifiers: MedGen C3149117.

Submission:

Labcorp Genetics (formerly Invitae), Labcorp
Classification: Uncertain significance for GLUT1 deficiency syndrome 1, autosomal recessive. Last evaluated: 2022-08-16. Review status: criteria provided, single submitter. Criteria: Invitae Variant Classification Sherloc (09022015). Collection method: clinical testing. Allele origin: germline.
Comment: A copy number gain of the genomic region encompassing the full coding sequence of the SLC2A1 gene has been identified. The boundaries of this event are unknown as they extend beyond the assayed region for this gene and therefore may encompass additional genes. As the precise location of this event is unknown, it may be in tandem or it may be located elsewhere in the genome. This variant has not been reported in the literature in individuals affected with SLC2A1-related conditions. Experimental studies and prediction algorithms are not available or were not evaluated, and the functional significance of this variant is currently unknown. In summary, the available evidence is currently insufficient to determine the role of this variant in disease. Therefore, it has been classified as a Variant of Uncertain Significance.